The following is an entry in ClinVar:

ClinVar aggregate classification (germline): Uncertain significance. Review status: criteria provided, multiple submitters, no conflicts (2 of 4 stars). 4 submissions from 4 submitters: Uncertain significance (4). Last evaluated 2024-12-06.

Conditions:
Aicardi-Goutieres syndrome 4. Identifiers: Orphanet 51, MedGen C1835912, MONDO:0012472, OMIM 610333.
Inborn genetic diseases. Identifiers: MedGen C0950123, MeSH D030342.

Allele frequency attached by ClinVar (database versions not stated): ExAC 0.00003; gnomAD 0.00004; TOPMed 0.00006.

Submissions (4):

Ambry Genetics
Classification: Uncertain significance for Inborn genetic diseases. Last evaluated: 2024-12-06. Review status: criteria provided, single submitter. Criteria: Ambry Variant Classification Scheme 2023. Collection method: clinical testing. Allele origin: germline.

Athena Diagnostics
Classification: Uncertain significance. Last evaluated: 2024-06-06. Review status: criteria provided, single submitter. Criteria: Athena Diagnostics Criteria. Collection method: clinical testing. Allele origin: unknown.
Comment: Available data are insufficient to determine the clinical significance of the variant at this time. The frequency of this variant in the general population is uninformative in assessment of its pathogenicity. Polyphen and MutationTaster predict this amino acid change may be benign.

Labcorp Genetics (formerly Invitae), Labcorp
Classification: Uncertain significance for Aicardi-Goutieres syndrome 4. Last evaluated: 2022-08-12. Review status: criteria provided, single submitter. Criteria: Invitae Variant Classification Sherloc (09022015). Collection method: clinical testing. Allele origin: germline.
Comment: This sequence change replaces serine, which is neutral and polar, with arginine, which is basic and polar, at codon 298 of the RNASEH2A protein (p.Ser298Arg). This variant is present in population databases (rs760066036, gnomAD 0.009%). This variant has not been reported in the literature in individuals affected with RNASEH2A-related conditions. ClinVar contains an entry for this variant (Variation ID: 448168). Algorithms developed to predict the effect of missense changes on protein structure and function (SIFT, PolyPhen-2, Align-GVGD) all suggest that this variant is likely to be tolerated. In summary, the available evidence is currently insufficient to determine the role of this variant in disease. Therefore, it has been classified as a Variant of Uncertain Significance.

Illumina Laboratory Services, Illumina
Classification: Uncertain significance for Aicardi-Goutieres syndrome 4. Last evaluated: 2018-01-12. Review status: criteria provided, single submitter. Criteria: ICSL Variant Classification Criteria 13 December 2019. Collection method: clinical testing. Allele origin: germline.

NM_006397.3(RNASEH2A):c.894C>A (p.Ser298Arg)

Gene: RNASEH2A (ribonuclease H2 subunit A; plus strand). Cytogenetic location: 19p13.13.
Variant type: single nucleotide variant.
Coding change: c.894C>A on transcript NM_006397.3 (MANE Select); coding-DNA position 894, C replaced by A.
Protein change: p.Ser298Arg; replaces serine 298 with arginine.
Molecular consequence: missense variant.
Genome position (GRCh38, 1-based): chr19:12,813,460, C>A. VCF-style: chr19-12813460-C-A. GRCh37 (hg19) VCF-style: chr19-12924274-C-A.
Other names: short protein forms S298R.
Identifiers: ClinVar variation 448168 (VCV000448168.10), dbSNP rs760066036, ClinGen allele CA9232073.